The following is an entry in ClinVar:

ClinVar aggregate classification (germline): Likely benign. Review status: criteria provided, multiple submitters, no conflicts (2 of 4 stars). 2 submissions from 2 submitters: Likely benign (2). Last evaluated 2026-01-12.

Conditions:
SLC26A1-related disorder. Also called: SLC26A1-related condition.

gnomAD v4.1: 184 of 1,598,058 alleles (0.012%); highest among the groups gnomAD compares: Non-Finnish European, 0.014%; no homozygotes.

Submissions (2):

PreventionGenetics, part of Exact Sciences
Classification: Likely benign for SLC26A1-related condition. Last evaluated: 2026-01-12. Review status: criteria provided, single submitter. Criteria: ACMG Guidelines, 2015. Collection method: clinical testing. Allele origin: germline.
Comment: This variant is classified as likely benign based on ACMG/AMP sequence variant interpretation guidelines (Richards et al. 2015 PMID: 25741868, with internal and published modifications).

Labcorp Genetics (formerly Invitae), Labcorp
Classification: Likely benign. Last evaluated: 2024-04-25. Review status: criteria provided, single submitter. Criteria: Invitae Variant Classification Sherloc (09022015). Collection method: clinical testing. Allele origin: germline.

NM_022042.4(SLC26A1):c.1998C>T (p.Gly666=)

Genes: IDUA (alpha-L-iduronidase; plus strand), SLC26A1 (solute carrier family 26 member 1; minus strand). Cytogenetic location: 4p16.3.
Variant type: single nucleotide variant.
Coding change: c.1998C>T on transcript NM_022042.4 (MANE Select); coding-DNA position 1998, C replaced by T.
Protein change: p.Gly666=; no amino-acid change (glycine 666 retained).
Molecular consequence: synonymous variant. On other transcripts: intron variant (2).
Genome position (GRCh38, 1-based): chr4:988,941, G>A on the plus strand (C>T on the coding strand, the complement: SLC26A1 is on the minus strand). VCF-style: chr4-988941-G-A. GRCh37 (hg19) VCF-style: chr4-982729-G-A.
Other names: c.1998C>T, p.Gly666= (NM_213613.4); c.576+2187C>T (NM_134425.4); c.299+992G>A (NM_000203.5); c.1998C>T (NM_022042.3).
Identifiers: ClinVar variation 3711963 (VCV003711963.3).
Genomic context (GRCh38, chr4:988,941, plus strand): 5'-TGTCTGCACGGCATCGTGCACACTGAGGAACAGCTGCTCCTCCTCAGCCGTGTCCCCGGG[G>A]CCCTCCCCGAGGAAGCCTCCTCTGCTCAGAATGTCTCTCACAGGCGGGCTGCAGCAGGCT-3'
Protein context (NP_071325.2, residues 656-676): ILSRGGFLGE[Gly666=]PGDTAEEEQL